The following is an entry in ClinVar:

NM_001408.3(CELSR2):c.1070G>A (p.Arg357Gln)

Gene: CELSR2 (cadherin EGF LAG seven-pass G-type receptor 2; plus strand). Cytogenetic location: 1p13.3.
Variant type: single nucleotide variant.
Coding change: c.1070G>A on transcript NM_001408.3 (MANE Select); coding-DNA position 1070, G replaced by A.
Protein change: p.Arg357Gln; replaces arginine 357 with glutamine.
Molecular consequence: missense variant.
Genome position (GRCh38, 1-based): chr1:109,251,149, G>A. VCF-style: chr1-109251149-G-A. GRCh37 (hg19) VCF-style: chr1-109793771-G-A.
Other names: short protein forms R357Q.
Identifiers: ClinVar variation 1915317 (VCV001915317.5), dbSNP rs1177673215, ClinGen allele CA341482603.

ClinVar aggregate classification (germline): Uncertain significance (1 of 4 stars; one submission).

Allele frequency attached by ClinVar (database versions not stated): gnomAD exomes 0.00001; TOPMed 0.00001.
gnomAD v4.1: 7 of 1,613,162 alleles (0.00043%); highest among the groups gnomAD compares: East Asian, 0.0022%; no homozygotes.

Submission:

Labcorp Genetics (formerly Invitae), Labcorp
Classification: Uncertain significance. Last evaluated: 2024-03-23. Review status: criteria provided, single submitter. Criteria: Invitae Variant Classification Sherloc (09022015). Collection method: clinical testing. Allele origin: germline.
Comment: This sequence change replaces arginine, which is basic and polar, with glutamine, which is neutral and polar, at codon 357 of the CELSR2 protein (p.Arg357Gln). This variant is present in population databases (no rsID available, gnomAD 0.006%). This variant has not been reported in the literature in individuals affected with CELSR2-related conditions. ClinVar contains an entry for this variant (Variation ID: 1915317). Advanced modeling of protein sequence and biophysical properties (such as structural, functional, and spatial information, amino acid conservation, physicochemical variation, residue mobility, and thermodynamic stability) performed at Invitae indicates that this missense variant is expected to disrupt CELSR2 protein function with a positive predictive value of 80%. In summary, the available evidence is currently insufficient to determine the role of this variant in disease. Therefore, it has been classified as a Variant of Uncertain Significance.